The following is an entry in ClinVar:

NM_005751.5(AKAP9):c.520C>G (p.Leu174Val)

Gene: AKAP9 (A-kinase anchoring protein 9; plus strand). Cytogenetic location: 7q21.2.
Variant type: single nucleotide variant.
Coding change: c.520C>G on transcript NM_005751.5 (MANE Select); coding-DNA position 520, C replaced by G.
Protein change: p.Leu174Val; replaces leucine 174 with valine.
Molecular consequence: missense variant.
Genome position (GRCh38, 1-based): chr7:91,992,999, C>G. VCF-style: chr7-91992999-C-G. GRCh37 (hg19) VCF-style: chr7-91622313-C-G.
Other names: c.520C>G, p.Leu174Val (NM_147185.3); short protein forms L174V.
Identifiers: ClinVar variation 3516408 (VCV003516408.1).

ClinVar aggregate classification (germline): Uncertain significance (1 of 4 stars; one submission).

Conditions:
Cardiovascular phenotype. Identifiers: MedGen CN230736.

Submission:

Ambry Genetics
Classification: Uncertain significance for Cardiovascular phenotype. Last evaluated: 2024-08-28. Review status: criteria provided, single submitter. Criteria: Ambry Variant Classification Scheme 2023. Collection method: clinical testing. Allele origin: germline.
Comment: The p.L174V variant (also known as c.520C>G), located in coding exon 5 of the AKAP9 gene, results from a C to G substitution at nucleotide position 520. The leucine at codon 174 is replaced by valine, an amino acid with highly similar properties. This amino acid position is conserved. In addition, this alteration is predicted to be tolerated by in silico analysis. Based on the available evidence, the clinical significance of this variant remains unclear.